The following is an entry in ClinVar:

NM_173582.6(PGM2L1):c.1282G>T (p.Glu428Ter)

Gene: PGM2L1 (phosphoglucomutase 2 like 1; minus strand). Cytogenetic location: 11q13.4.
Variant type: single nucleotide variant.
Coding change: c.1282G>T on transcript NM_173582.6 (MANE Select); coding-DNA position 1282, G replaced by T.
Protein change: p.Glu428Ter; replaces glutamic acid 428 with a stop codon.
Molecular consequence: nonsense.
Genome position (GRCh38, 1-based): chr11:74,343,353, C>A on the plus strand (G>T on the coding strand, the complement: PGM2L1 is on the minus strand). VCF-style: chr11-74343353-C-A. GRCh37 (hg19) VCF-style: chr11-74054398-C-A.
Other names: short protein forms E428*.
Identifiers: ClinVar variation 1008756 (VCV001008756.9), dbSNP rs767118518, ClinGen allele CA6184507.

ClinVar aggregate classification (germline): Pathogenic. Review status: criteria provided, single submitter (1 of 4 stars). 2 submissions from 2 submitters: Pathogenic (1). 1 of the submissions does not count toward it. Last evaluated 2022-11-10.

Conditions:
Neurodevelopmental disorder with hypotonia, dysmorphic facies, and skin abnormalities (NEDHFS). Identifiers: MedGen C5774285, MONDO:0859347, OMIM 620191.

Allele frequency attached by ClinVar (database versions not stated): gnomAD exomes below 0.00001 and 0.00001; ExAC 0.00001.
gnomAD v4.1: 3 of 1,608,982 alleles (0.00019%); highest among the groups gnomAD compares: South Asian, 0.0033%; no homozygotes.

Submissions (2):

Labcorp Genetics (formerly Invitae), Labcorp
Classification: Pathogenic. Last evaluated: 2022-11-10. Review status: criteria provided, single submitter. Criteria: Invitae Variant Classification Sherloc (09022015). Collection method: clinical testing. Allele origin: germline.
Comment: For these reasons, this variant has been classified as Pathogenic. ClinVar contains an entry for this variant (Variation ID: 1008756). This premature translational stop signal has been observed in individual(s) with PGM2L1-related conditions (PMID: 33979636). This variant is present in population databases (rs767118518, gnomAD 0.003%). This sequence change creates a premature translational stop signal (p.Glu428*) in the PGM2L1 gene. It is expected to result in an absent or disrupted protein product. Loss-of-function variants in PGM2L1 are known to be pathogenic (PMID: 33979636).

OMIM
Classification: Pathogenic for NEURODEVELOPMENTAL DISORDER WITH HYPOTONIA, DYSMORPHIC FACIES, AND SKIN ABNORMALITIES. Last evaluated: 2023-01-11. Review status: no assertion criteria provided. Collection method: literature only. Allele origin: germline. Not counted in ClinVar's aggregate classification.

Literature cited by the submitters: PubMed 33979636 (cited by Labcorp Genetics (formerly Invitae), Labcorp and OMIM).